The following is an entry in ClinVar:

ClinVar aggregate classification (germline): Conflicting classifications of pathogenicity. Review status: criteria provided, conflicting classifications (1 of 4 stars). 2 submissions from 2 submitters: Uncertain significance (1); Likely benign (1). Last evaluated 2026-01-14.

Conditions:
Inborn genetic diseases. Identifiers: MedGen C0950123, MeSH D030342.

Allele frequency attached by ClinVar (database versions not stated): gnomAD exomes below 0.00001 and 0.00001; ExAC 0.00001; TOPMed 0.00001; gnomAD 0.00002 and 0.00003.
gnomAD v4.1: 5 of 1,209,081 alleles (0.00041%); highest among the groups gnomAD compares: African/African-American, 0.007%; no homozygotes.

Submissions (2):

Ambry Genetics
Classification: Uncertain significance for Inborn genetic diseases. Last evaluated: 2026-01-14. Review status: criteria provided, single submitter. Criteria: Ambry Variant Classification Scheme 2023. Collection method: clinical testing. Allele origin: germline.
Comment: The c.3679A>C (p.N1227H) alteration is located in exon 20 (coding exon 20) of the AFF2 gene. This alteration results from a A to C substitution at nucleotide position 3679, causing the asparagine (N) at amino acid position 1227 to be replaced by a histidine (H). Based on data from gnomAD, the C allele has an overall frequency of 0.001% (2/182795) total alleles studied. The highest observed frequency was 0.008% (1/13141) of African alleles. Based on insufficient or conflicting evidence, the clinical significance of this alteration remains unclear.

GeneDx
Classification: Likely benign. Last evaluated: 2022-07-15. Review status: criteria provided, single submitter. Criteria: GeneDx Variant Classification Process June 2021. Collection method: clinical testing. Allele origin: germline. Affected: yes.
Comment: See Variant Classification Assertion Criteria.

NM_002025.4(AFF2):c.3679A>C (p.Asn1227His)

Gene: AFF2 (ALF transcription elongation factor 2; plus strand). Cytogenetic location: Xq28.
Variant type: single nucleotide variant.
Coding change: c.3679A>C on transcript NM_002025.4 (MANE Select); coding-DNA position 3679, A replaced by C.
Protein change: p.Asn1227His; replaces asparagine 1227 with histidine.
Molecular consequence: missense variant.
Genome position (GRCh38, 1-based): chrX:148,987,422, A>C. VCF-style: chrX-148987422-A-C. GRCh37 (hg19) VCF-style: chrX-148068952-A-C.
Other names: c.3574A>C, p.Asn1192His (NM_001169122.2, NM_001169124.2); c.3649A>C, p.Asn1217His (NM_001169123.2); c.3562A>C, p.Asn1188His (NM_001169125.2); c.2602A>C, p.Asn868His (NM_001170628.1); c.3679A>C (NM_002025.3); short protein forms N1188H, N1192H, N1217H, N1227H, N868H.
Identifiers: ClinVar variation 1202065 (VCV001202065.6), dbSNP rs782628100, ClinGen allele CA10537378.
Genomic context (GRCh38, chrX:148,987,422, plus strand): 5'-CCCAGGAACACTCCATCCCCAGTGTCTCTCAACAACGTCTCCCCCATCAACGCAATGGGG[A>C]ACTGTAACAATGGCCCAGTCACCATTCCCCAGCGCATTCACCACATGGCTGCCAGCCACG-3'
Protein context (NP_002016.2, residues 1217-1237): NNVSPINAMG[Asn1227His]CNNGPVTIPQ